The following is an entry in ClinVar:

NM_004104.5(FASN):c.4673G>A (p.Cys1558Tyr)

Gene: FASN (fatty acid synthase; minus strand). Cytogenetic location: 17q25.3.
Variant type: single nucleotide variant.
Coding change: c.4673G>A on transcript NM_004104.5 (MANE Select); coding-DNA position 4673, G replaced by A.
Protein change: p.Cys1558Tyr; replaces cysteine 1558 with tyrosine.
Molecular consequence: missense variant.
Genome position (GRCh38, 1-based): chr17:82,084,608, C>T on the plus strand (G>A on the coding strand, the complement: FASN is on the minus strand). VCF-style: chr17-82084608-C-T. GRCh37 (hg19) VCF-style: chr17-80042484-C-T.
Other names: short protein forms C1558Y.
Identifiers: ClinVar variation 4738163 (VCV004738163.1).
Genomic context (GRCh38, chr17:82,084,608, plus strand): 5'-AGCATGATGTCGCGGAAGTTGAGGGAGGCGTAGTAGACCGTGCAGAGCTGGGCGCCAGGG[C>T]AGGTGGGCTGGGCATGGCGCAGCGAGGAGCAGACCCAGCGGATGGAGGACAGGTCCCCCC-3'
Protein context (NP_004095.4, residues 1548-1568): CSSLRHAQPT[Cys1558Tyr]PGAQLCTVYY

ClinVar aggregate classification (germline): Uncertain significance (1 of 4 stars; one submission).

Conditions:
Epileptic encephalopathy. Identifiers: MedGen C0543888, HP:0200134.

gnomAD v4.1: 3 of 1,609,056 alleles (0.00019%); highest among the groups gnomAD compares: Admixed American, 0.0034%; no homozygotes.

Submission:

Labcorp Genetics (formerly Invitae), Labcorp
Classification: Uncertain significance for Epileptic encephalopathy. Last evaluated: 2025-08-29. Review status: criteria provided, single submitter. Criteria: Invitae Variant Classification Sherloc (09022015). Collection method: clinical testing. Allele origin: germline.
Comment: This sequence change replaces cysteine, which is neutral and slightly polar, with tyrosine, which is neutral and polar, at codon 1558 of the FASN protein (p.Cys1558Tyr). This variant is present in population databases (rs770833743, gnomAD 0.003%). This variant has not been reported in the literature in individuals affected with FASN-related conditions. An algorithm developed to predict the effect of missense changes on protein structure and function (PolyPhen-2) suggests that this variant is likely to be tolerated. In summary, the available evidence is currently insufficient to determine the role of this variant in disease. Therefore, it has been classified as a Variant of Uncertain Significance.